The following is an entry in ClinVar:

ClinVar aggregate classification (germline): Uncertain significance (1 of 4 stars; one submission).

Conditions:
SPEN-related disorder. Also called: SPEN-related condition.

Submission:

PreventionGenetics, part of Exact Sciences
Classification: Uncertain significance for SPEN-related condition. Last evaluated: 2025-02-18. Review status: criteria provided, single submitter. Criteria: ACMG Guidelines, 2015. Collection method: clinical testing. Allele origin: germline.
Comment: The SPEN c.3680A>G variant is predicted to result in the amino acid substitution p.Lys1227Arg. To our knowledge, this variant has not been reported in the literature or in a large population database (gnomAD), indicating this variant is rare. At this time, the clinical significance of this variant is uncertain due to the absence of conclusive functional and genetic evidence.

NM_015001.3(SPEN):c.3680A>G (p.Lys1227Arg)

Gene: SPEN (spen family transcriptional repressor; plus strand). Cytogenetic location: 1p36.13.
Variant type: single nucleotide variant.
Coding change: c.3680A>G on transcript NM_015001.3 (MANE Select); coding-DNA position 3680, A replaced by G.
Protein change: p.Lys1227Arg; replaces lysine 1227 with arginine.
Molecular consequence: missense variant.
Genome position (GRCh38, 1-based): chr1:15,929,920, A>G. VCF-style: chr1-15929920-A-G. GRCh37 (hg19) VCF-style: chr1-16256415-A-G.
Other names: short protein forms K1227R.
Identifiers: ClinVar variation 4997808 (VCV004997808.1).